The following is an entry in ClinVar:

ClinVar aggregate classification (germline): Benign. Review status: criteria provided, multiple submitters, no conflicts (2 of 4 stars). 5 submissions from 5 submitters: Benign (3). 2 of the submissions do not count toward it. Last evaluated 2026-02-04.

Conditions:
Brugada syndrome. Also called: Sudden Unexplained Death Syndrome; Sudden Unexplained Nocturnal Death Syndrome (SUNDS); Sudden unexpected nocturnal death syndrome; Sudden unexplained nocturnal death syndrome. Identifiers: Orphanet 130, MedGen C1142166, MONDO:0015263.

Submissions (5):

Labcorp Genetics (formerly Invitae), Labcorp
Classification: Benign for Brugada syndrome. Last evaluated: 2026-02-04. Review status: criteria provided, single submitter. Criteria: Invitae Variant Classification Sherloc (09022015). Collection method: clinical testing. Allele origin: germline.

Mayo Clinic Laboratories, Mayo Clinic
Classification: Benign. Last evaluated: 2023-03-31. Review status: criteria provided, single submitter. Criteria: ACMG Guidelines, 2015. Collection method: clinical testing. Allele origin: germline. Observed: 99 variant alleles.
Comment: BA1, BS2, BP4, BP7

GeneDx
Classification: Benign. Last evaluated: 2018-06-11. Review status: criteria provided, single submitter. Criteria: GeneDx Variant Classification Process June 2021. Collection method: clinical testing. Allele origin: germline. Affected: yes.

Clinical Genetics, Academic Medical Center
Classification: Benign. Review status: no assertion criteria provided. Collection method: clinical testing. Allele origin: germline. Affected: yes. Study: VKGL Data-share Consensus. Not counted in ClinVar's aggregate classification.

Joint Genome Diagnostic Labs from Nijmegen and Maastricht, Radboudumc and MUMC+
Classification: Benign. Review status: no assertion criteria provided. Collection method: clinical testing. Allele origin: germline. Affected: yes. Study: VKGL Data-share Consensus. Not counted in ClinVar's aggregate classification.

NM_000722.4(CACNA2D1):c.355-14dup

Gene: CACNA2D1 (calcium voltage-gated channel auxiliary subunit alpha2delta 1; minus strand). Cytogenetic location: 7q21.11.
Variant type: Duplication.
Coding change: c.355-14dup on transcript NM_000722.4 (MANE Select); 14 bases into the intron before coding-DNA position 355, one base duplicated (T; older notation c.355-14dupT).
Molecular consequence: intron variant.
Genome position (GRCh38, 1-based): chr7:82,136,681, A duplicated on the plus strand (T on the coding strand, the reverse complement: CACNA2D1 is on the minus strand); the first of 10 consecutive A bases (chr7:82,136,681-82,136,690); duplicating any one gives the same sequence. VCF-style (leftmost placement, unchanged base first): chr7-82136680-C-CA. GRCh37 (hg19) VCF-style: chr7-81765996-C-CA.
Other names: p.?; c.355-5dup (LRG_437t1, NM_000722.4); c.355-14dup (NM_001366867.1, NM_001302890.2).
Identifiers: ClinVar variation 215477 (VCV000215477.19), dbSNP rs142849270, ClinGen allele CA339408.